The following is an entry in ClinVar:

ClinVar aggregate classification (germline): Uncertain significance (1 of 4 stars; one submission).

Conditions:
Dilated cardiomyopathy 1DD (CMD1DD). Identifiers: Orphanet 154, MedGen C2750995, MONDO:0013168, OMIM 613172.

Submission:

Labcorp Genetics (formerly Invitae), Labcorp
Classification: Uncertain significance for Dilated cardiomyopathy 1DD. Last evaluated: 2020-06-29. Review status: criteria provided, single submitter. Criteria: Invitae Variant Classification Sherloc (09022015). Collection method: clinical testing. Allele origin: germline.
Comment: In summary, the available evidence is currently insufficient to determine the role of this variant in disease. Therefore, it has been classified as a Variant of Uncertain Significance. Algorithms developed to predict the effect of missense changes on protein structure and function are either unavailable or do not agree on the potential impact of this missense change (SIFT: "Not Available"; PolyPhen-2: "Possibly Damaging"; Align-GVGD: "Class C0"). This variant has not been reported in the literature in individuals with RBM20-related conditions. This variant is not present in population databases (ExAC no frequency). This sequence change replaces serine with arginine at codon 415 of the RBM20 protein (p.Ser415Arg). The serine residue is weakly conserved and there is a moderate physicochemical difference between serine and arginine.

NM_001134363.3(RBM20):c.1245C>G (p.Ser415Arg)

Gene: RBM20 (RNA binding motif protein 20; plus strand). Cytogenetic location: 10q25.2.
Variant type: single nucleotide variant.
Coding change: c.1245C>G on transcript NM_001134363.3 (MANE Select); coding-DNA position 1245, C replaced by G.
Protein change: p.Ser415Arg; replaces serine 415 with arginine.
Molecular consequence: missense variant.
Genome position (GRCh38, 1-based): chr10:110,781,854, C>G. VCF-style: chr10-110781854-C-G. GRCh37 (hg19) VCF-style: chr10-112541612-C-G.
Other names: short protein forms S415R.
Identifiers: ClinVar variation 1038005 (VCV001038005.8), dbSNP rs1481843626, ClinGen allele CA378386107.
Genomic context (GRCh38, chr10:110,781,854, plus strand): 5'-GGCTCATGAGCTGAACGACTTTCACGGTGTGGCCCCCCTCCACTTGCCGCATATCTGTAG[C>G]ATCTGTGACAAGAAGGTGTTTGATTTGAAGGTGAGTTGTCCAAGACAGGCTGGGAGCCAC-3'
Protein context (NP_001127835.2, residues 405-425): VAPLHLPHIC[Ser415Arg]ICDKKVFDLK